The following is an entry in ClinVar:

ClinVar aggregate classification (germline): Benign. Review status: criteria provided, multiple submitters, no conflicts (2 of 4 stars). 6 submissions from 6 submitters: Benign (6). Last evaluated 2026-02-04.

Conditions:
Knobloch syndrome (KNO). Also called: RETINAL DETACHMENT AND OCCIPITAL ENCEPHALOCELE; Myopia retinal detachment encephalocele. Identifiers: Orphanet 1571, MedGen C1849409, MONDO:0800166.

Allele frequency attached by ClinVar (database versions not stated): ESP Exome Variant Server 0.18044; TOPMed 0.20744; 1000 Genomes Project 30x 0.24516; 1000 Genomes Project 0.24541.
gnomAD v4.1: 200,621 of 1,613,466 alleles (12%); highest among the groups gnomAD compares: African/African-American, 40%; 17,226 homozygotes.

Submissions (6):

Labcorp Genetics (formerly Invitae), Labcorp
Classification: Benign. Last evaluated: 2026-02-04. Review status: criteria provided, single submitter. Criteria: Invitae Variant Classification Sherloc (09022015). Collection method: clinical testing. Allele origin: germline.

Blueprint Genetics
Classification: Benign. Last evaluated: 2024-11-28. Review status: criteria provided, single submitter. Criteria: ACMG Guidelines, 2015. Collection method: clinical testing. Allele origin: germline.

GeneDx
Classification: Benign. Last evaluated: 2021-05-04. Review status: criteria provided, single submitter. Criteria: GeneDx Variant Classification Process June 2021. Collection method: clinical testing. Allele origin: germline. Affected: yes.

Illumina Laboratory Services, Illumina
Classification: Benign for Knobloch syndrome 1. Last evaluated: 2018-01-12. Review status: criteria provided, single submitter. Criteria: ICSL Variant Classification Criteria 13 December 2019. Collection method: clinical testing. Allele origin: germline.
Comment: This variant was observed in the ICSL laboratory as part of a predisposition screen in an ostensibly healthy population. It had not been previously curated by ICSL or reported in the Human Gene Mutation Database (HGMD: prior to June 1st, 2018), and was therefore a candidate for classification through an automated scoring system. Utilizing variant allele frequency, disease prevalence and penetrance estimates, and inheritance mode, an automated score was calculated to assess if this variant is too frequent to cause the disease. Based on the score and internal cut-off values, a variant classified as benign is not then subjected to further curation. The score for this variant resulted in a classification of benign for this disease.

Breakthrough Genomics
Classification: Benign. Review status: criteria provided, single submitter. Criteria: ACMG Guidelines, 2015. Collection method: not provided. Allele origin: germline. Inheritance: Autosomal recessive inheritance. Affected: yes.

PreventionGenetics, part of Exact Sciences
Classification: Benign. Review status: criteria provided, single submitter. Criteria: ACMG Guidelines, 2015. Collection method: clinical testing. Allele origin: germline.

NM_001379500.1(COL18A1):c.837C>G (p.Pro279=)

Gene: COL18A1 (collagen type XVIII alpha 1 chain; plus strand). Cytogenetic location: 21q22.3.
Variant type: single nucleotide variant.
Coding change: c.837C>G on transcript NM_001379500.1 (MANE Select); coding-DNA position 837, C replaced by G.
Protein change: p.Pro279=; no amino-acid change (proline 279 retained).
Molecular consequence: synonymous variant.
Genome position (GRCh38, 1-based): chr21:45,476,389, C>G. VCF-style: chr21-45476389-C-G. GRCh37 (hg19) VCF-style: chr21-46896303-C-G.
Other names: NM_130445.2:c.837C>G; c.1377C>G, p.Pro459= (NM_030582.4); c.2082C>G, p.Pro694= (NM_130444.3).
Identifiers: ClinVar variation 261886 (VCV000261886.17), dbSNP rs2230687, ClinGen allele CA10065956.